The following is an entry in ClinVar:

ClinVar aggregate classification (germline): Conflicting classifications of pathogenicity. Review status: criteria provided, conflicting classifications (1 of 4 stars). 4 submissions from 4 submitters: Uncertain significance (1); Benign (2). 1 of the submissions does not count toward it. Last evaluated 2025-08-02.

Conditions:
XIRP2-related disorder. Also called: XIRP2-related condition.

Allele frequency attached by ClinVar (database versions not stated): gnomAD exomes 0.00034 and 0.00068; ExAC 0.00084; gnomAD 0.00292 and 0.00308; 1000 Genomes Project 30x 0.00312; ESP Exome Variant Server 0.00314; 1000 Genomes Project 0.00339; TOPMed 0.00342.
gnomAD v4.1: 951 of 1,613,700 alleles (0.059%); highest among the groups gnomAD compares: African/African-American, 1%; 4 homozygotes.

Submissions (4):

Ambry Genetics
Classification: Uncertain significance. Last evaluated: 2025-08-02. Review status: criteria provided, single submitter. Criteria: Ambry Variant Classification Scheme 2023. Collection method: clinical testing. Allele origin: germline.

Labcorp Genetics (formerly Invitae), Labcorp
Classification: Benign. Last evaluated: 2019-12-31. Review status: criteria provided, single submitter. Criteria: Invitae Variant Classification Sherloc (09022015). Collection method: clinical testing. Allele origin: germline.

Breakthrough Genomics
Classification: Benign. Review status: criteria provided, single submitter. Criteria: ACMG Guidelines, 2015. Collection method: not provided. Allele origin: germline. Inheritance: Unknown mechanism. Affected: yes.

PreventionGenetics, part of Exact Sciences
Classification: Benign for XIRP2-related condition. Last evaluated: 2019-09-25. Review status: no assertion criteria provided. Collection method: clinical testing. Allele origin: germline. Not counted in ClinVar's aggregate classification.
Comment: This variant is classified as benign based on ACMG/AMP sequence variant interpretation guidelines (Richards et al. 2015 PMID: 25741868, with internal and published modifications).

NM_152381.6(XIRP2):c.5342T>C (p.Ile1781Thr)

Gene: XIRP2 (xin actin binding repeat containing 2; plus strand). Cytogenetic location: 2q24.3.
Variant type: single nucleotide variant.
Coding change: c.5342T>C on transcript NM_152381.6 (MANE Select); coding-DNA position 5342, T replaced by C.
Protein change: p.Ile1781Thr; replaces isoleucine 1781 with threonine.
Molecular consequence: missense variant. On other transcripts: intron variant (3).
Genome position (GRCh38, 1-based): chr2:167,246,734, T>C. VCF-style: chr2-167246734-T-C. GRCh37 (hg19) VCF-style: chr2-168103244-T-C.
Other names: c.4676T>C, p.Ile1559Thr (NM_001199144.2); c.1275+4824T>C (NM_001199143.2); c.1176+4824T>C (NM_001079810.4); c.510+4824T>C (NM_001199145.2); c.5342T>C (NM_152381.5); short protein forms I1781T, I1559T.
Identifiers: ClinVar variation 729118 (VCV000729118.8), dbSNP rs202167735, ClinGen allele CA1947194.